The following is an entry in ClinVar:

ClinVar aggregate classification (germline): Uncertain significance (1 of 4 stars; one submission).

Submission:

Labcorp Genetics (formerly Invitae), Labcorp
Classification: Uncertain significance. Last evaluated: 2024-01-10. Review status: criteria provided, single submitter. Criteria: Invitae Variant Classification Sherloc (09022015). Collection method: clinical testing. Allele origin: germline.
Comment: This sequence change replaces cysteine, which is neutral and slightly polar, with arginine, which is basic and polar, at codon 608 of the NOTCH3 protein (p.Cys608Arg). This variant is not present in population databases (gnomAD no frequency). This variant has not been reported in the literature in individuals affected with NOTCH3-related conditions. Advanced modeling of protein sequence and biophysical properties (such as structural, functional, and spatial information, amino acid conservation, physicochemical variation, residue mobility, and thermodynamic stability) performed at Invitae indicates that this missense variant is expected to disrupt NOTCH3 protein function with a positive predictive value of 95%. In summary, the available evidence is currently insufficient to determine the role of this variant in disease. Therefore, it has been classified as a Variant of Uncertain Significance.

NM_000435.3(NOTCH3):c.1822T>C (p.Cys608Arg)

Gene: NOTCH3 (notch receptor 3; minus strand). Cytogenetic location: 19p13.12.
Variant type: single nucleotide variant.
Coding change: c.1822T>C on transcript NM_000435.3 (MANE Select); coding-DNA position 1822, T replaced by C.
Protein change: p.Cys608Arg; replaces cysteine 608 with arginine.
Molecular consequence: missense variant.
Genome position (GRCh38, 1-based): chr19:15,187,123, A>G on the plus strand (T>C on the coding strand, the complement: NOTCH3 is on the minus strand). VCF-style: chr19-15187123-A-G. GRCh37 (hg19) VCF-style: chr19-15297934-A-G.
Other names: short protein forms C608R.
Identifiers: ClinVar variation 2708600 (VCV002708600.3), dbSNP rs2512657380, ClinGen allele CA404524613.